The following is an entry in ClinVar:

ClinVar aggregate classification (germline): Uncertain significance (1 of 4 stars; one submission).

Conditions:
Dilated cardiomyopathy 1G (CMD1G). Identifiers: Orphanet 154, MedGen C1858763, MONDO:0011400, OMIM 604145.

gnomAD v4.1: 1 of 1,612,130 alleles (0.000062%); highest among the groups gnomAD compares: Non-Finnish European, 0.000085%; no homozygotes.

Submission:

3billion
Classification: Uncertain significance for Dilated cardiomyopathy 1G. Last evaluated: 2024-10-17. Review status: criteria provided, single submitter. Criteria: ACMG Guidelines, 2015. Collection method: clinical testing. Allele origin: germline. Affected: yes.
Comment: The variant is observed at an extremely low frequency in the gnomAD v4.1.0 dataset (total allele frequency: <0.001%). Predicted Consequence/Location: Stop-gained (nonsense): predicted to result in a loss or disruption of normal protein function through nonsense-mediated decay (NMD) or protein truncation. Multiple pathogenic variants are reported downstream of the variant. However, the contribution of loss-of-function variants in TTNI-band to dilated cardiomyopathy is incompletely understood. Therefore, this variant is classified as VUS according to the recommendation of ACMG/AMP guideline.

NM_001267550.2(TTN):c.46660A>T (p.Lys15554Ter)

Genes: TTN (titin; minus strand), TTN-AS1 (TTN antisense RNA 1; plus strand). Cytogenetic location: 2q31.2.
Variant type: single nucleotide variant.
Coding change: c.46660A>T on transcript NM_001267550.2 (MANE Select); coding-DNA position 46660, A replaced by T.
Protein change: p.Lys15554Ter; replaces lysine 15554 with a stop codon.
Molecular consequence: nonsense.
Genome position (GRCh38, 1-based): chr2:178,619,657, T>A on the plus strand (A>T on the coding strand, the complement: TTN is on the minus strand). VCF-style: chr2-178619657-T-A. GRCh37 (hg19) VCF-style: chr2-179484384-T-A.
Other names: c.41737A>T, p.Lys13913Ter (NM_001256850.1); c.19465A>T, p.Lys6489Ter (NM_003319.4); c.38956A>T, p.Lys12986Ter (NM_133378.4); c.19840A>T, p.Lys6614Ter (NM_133432.3); c.20041A>T, p.Lys6681Ter (NM_133437.4); short protein forms K12986*, K13913*, K15554*, K6489*, K6614*, K6681*.
Identifiers: ClinVar variation 4293739 (VCV004293739.1).